The following is an entry in ClinVar:

ClinVar aggregate classification (germline): Uncertain significance (1 of 4 stars; one submission).

Submissions (2):

Dasa
Classification: Uncertain significance. Last evaluated: 2025-08-21. Review status: criteria provided, single submitter. Criteria: DASA Assertion Criteria. Collection method: clinical testing. Allele origin: germline.
Comment: NM_001356.5(DDX3X):c.1180C>G (p.Arg394Gly) is a missense variant that results in the substitution of arginine with glycine. This variant is absent from population databases. The currently available literature and clinical evidence are not sufficient to establish a definitive association between this variant and the reported condition. Therefore, this variant is classified as a variant of uncertain significance.

Dr. Peter K. Rogan Lab, Western University
No classification provided (evidence only). Condition: Thyroid cancer, nonmedullary, 1. Review status: no classification provided. Collection method: in vitro. Allele origin: not applicable. Functional consequence: retained intron. Not counted in ClinVar's aggregate classification.

NM_001356.5(DDX3X):c.1180C>G (p.Arg394Gly)

Gene: DDX3X (DEAD-box helicase 3 X-linked; plus strand). Cytogenetic location: Xp11.4.
Variant type: single nucleotide variant.
Coding change: c.1180C>G on transcript NM_001356.5 (MANE Select); coding-DNA position 1180, C replaced by G.
Protein change: p.Arg394Gly; replaces arginine 394 with glycine.
Molecular consequence: missense variant. On other transcripts: non-coding transcript variant (1).
Genome position (GRCh38, 1-based): chrX:41,345,413, C>G. VCF-style: chrX-41345413-C-G. GRCh37 (hg19) VCF-style: chrX-41204666-C-G.
Other names: NC_000023.10:g.41204666C>G; c.1180C>G, p.Arg394Gly (NM_001193416.3); c.1132C>G, p.Arg378Gly (NM_001193417.3); c.622C>G, p.Arg208Gly (NM_001363819.1); short protein forms R378G, R394G, R208G.
Identifiers: ClinVar variation 4489240 (VCV004489240.3).